The following is an entry in ClinVar:

ClinVar aggregate classification (germline): Pathogenic/Likely pathogenic. Review status: criteria provided, multiple submitters, no conflicts (2 of 4 stars). 2 submissions from 2 submitters: Pathogenic (1); Likely pathogenic (1). Last evaluated 2025-05-28.

Conditions:
Loeys-Dietz syndrome 6. Identifiers: MedGen C5562041, MONDO:0030500, OMIM 619656.

Allele frequency attached by ClinVar (database versions not stated): gnomAD exomes below 0.00001.
gnomAD v4.1: 1 of 1,613,888 alleles (0.000062%); highest among the groups gnomAD compares: Non-Finnish European, 0.000085%; no homozygotes.

Submissions (2):

Variantyx, Inc.
Classification: Likely pathogenic for Loeys-Dietz syndrome 6. Last evaluated: 2025-05-28. Review status: criteria provided, single submitter. Criteria: Variantyx Assertion Criteria 2022. Collection method: clinical testing. Allele origin: germline. Inheritance: Autosomal dominant inheritance. Affected: yes.
Comment: This is a nonsynonymous variant in the SMAD2 gene (OMIM: 601366). Pathogenic variants in this gene have been associated with autosomal dominant Loeys-Dietz syndrome 6. This variant has been reported in at least one affected individual (PMID: 29910053) (PS4). This variant lies within a known hotspot for pathogenic variants or a well-established critical functional domain of the SMAD2 protein (PMID: 29967133) (PM1). Multiple computational algorithms predict a deleterious effect for this variant (REVEL score: 0.934) (PP3). This variant has a 0.0001% maximum allele frequency in non-founder control populations (PM2). Based on the current evidence, this variant is classified as likely pathogenic for autosomal dominant Loeys-Dietz syndrome 6.

GeneDx
Classification: Pathogenic. Last evaluated: 2022-02-24. Review status: criteria provided, single submitter. Criteria: GeneDx Variant Classification Process June 2021. Collection method: clinical testing. Allele origin: germline. Affected: yes.
Comment: Not observed at significant frequency in large population cohorts (gnomAD); In silico analysis supports that this missense variant has a deleterious effect on protein structure/function; Reported in an individual with congenital heart disease and neurodevelopmental disability (Blue et al., 2018); This variant is associated with the following publications: (PMID: 29910053)

Literature cited by the submitters: PubMed 29910053 (cited by Variantyx, Inc.); PubMed 29967133 (cited by Variantyx, Inc.).

NM_005901.6(SMAD2):c.1217A>G (p.Tyr406Cys)

Gene: SMAD2 (SMAD family member 2; minus strand). Cytogenetic location: 18q21.1.
Variant type: single nucleotide variant.
Coding change: c.1217A>G on transcript NM_005901.6 (MANE Select); coding-DNA position 1217, A replaced by G.
Protein change: p.Tyr406Cys; replaces tyrosine 406 with cysteine.
Molecular consequence: missense variant.
Genome position (GRCh38, 1-based): chr18:47,845,403, T>C on the plus strand (A>G on the coding strand, the complement: SMAD2 is on the minus strand). VCF-style: chr18-47845403-T-C. GRCh37 (hg19) VCF-style: chr18-45371774-T-C.
Other names: c.1217A>G, p.Tyr406Cys (NM_001003652.4); c.1127A>G, p.Tyr376Cys (NM_001135937.3); short protein forms Y376C, Y406C.
Identifiers: ClinVar variation 1678810 (VCV001678810.3), dbSNP rs2144287574, ClinGen allele CA402503631.